The following is an entry in ClinVar:

ClinVar aggregate classification (germline): Uncertain significance (1 of 4 stars; one submission).

Allele frequency attached by ClinVar (database versions not stated): gnomAD exomes below 0.00001; gnomAD 0.00003; TOPMed 0.00004.

Submission:

Labcorp Genetics (formerly Invitae), Labcorp
Classification: Uncertain significance. Last evaluated: 2024-01-11. Review status: criteria provided, single submitter. Criteria: Invitae Variant Classification Sherloc (09022015). Collection method: clinical testing. Allele origin: germline.
Comment: This sequence change replaces valine, which is neutral and non-polar, with leucine, which is neutral and non-polar, at codon 81 of the PPP1R15B protein (p.Val81Leu). This variant is present in population databases (no rsID available, gnomAD 0.007%). This variant has not been reported in the literature in individuals affected with PPP1R15B-related conditions. Advanced modeling of protein sequence and biophysical properties (such as structural, functional, and spatial information, amino acid conservation, physicochemical variation, residue mobility, and thermodynamic stability) performed at Invitae indicates that this missense variant is not expected to disrupt PPP1R15B protein function with a negative predictive value of 80%. In summary, the available evidence is currently insufficient to determine the role of this variant in disease. Therefore, it has been classified as a Variant of Uncertain Significance.

NM_032833.5(PPP1R15B):c.241G>C (p.Val81Leu)

Gene: PPP1R15B (protein phosphatase 1 regulatory subunit 15B; minus strand). Cytogenetic location: 1q32.1.
Variant type: single nucleotide variant.
Coding change: c.241G>C on transcript NM_032833.5 (MANE Select); coding-DNA position 241, G replaced by C.
Protein change: p.Val81Leu; replaces valine 81 with leucine.
Molecular consequence: missense variant.
Genome position (GRCh38, 1-based): chr1:204,411,171, C>G on the plus strand (G>C on the coding strand, the complement: PPP1R15B is on the minus strand). VCF-style: chr1-204411171-C-G. GRCh37 (hg19) VCF-style: chr1-204380299-C-G.
Other names: short protein forms V81L.
Identifiers: ClinVar variation 2775630 (VCV002775630.3), dbSNP rs1298508277, ClinGen allele CA10889570.
Genomic context (GRCh38, chr1:204,411,171, plus strand): 5'-CAGCAAAATCTAGCCATCTGGTCGGAAACATTCCACCGAAAAGTTGGCTCCAAATTAGCA[C>G]CTTCTGAAGCAATCCGGGGAGCGGCGCAAGGAGCTGGGAGAGCAGTTTCGTCCAGTAACT-3'
Protein context (NP_116222.4, residues 71-91): LAPLPGLLQK[Val81Leu]LIWSQLFGGM